The following is an entry in ClinVar:

NM_001382567.1(STIM1):c.1474+17C>G

Gene: STIM1 (stromal interaction molecule 1; plus strand). Cytogenetic location: 11p15.4.
Variant type: single nucleotide variant.
Coding change: c.1474+17C>G on transcript NM_001382567.1 (MANE Select); 17 bases into the intron after coding-DNA position 1474, C replaced by G.
Molecular consequence: intron variant. On other transcripts: 3 prime UTR variant (1).
Genome position (GRCh38, 1-based): chr11:4,083,515, C>G. VCF-style: chr11-4083515-C-G. GRCh37 (hg19) VCF-style: chr11-4104745-C-G.
Other names: c.*9C>G (NM_001382573.1); c.1252+17C>G (NM_001382578.1, NM_001382575.1, NM_001382576.1 and 3 more transcripts); c.985+17C>G (NM_001382580.1, NM_001382581.1); c.1495+17C>G (NM_001382568.1); c.1474+17C>G (NM_001277962.2, NM_003156.4, NM_001277961.3); c.1246+17C>G (NM_001382570.1); c.1339+17C>G (NM_001382569.1); c.994+17C>G (NM_001382571.1).
Identifiers: ClinVar variation 258971 (VCV000258971.19), dbSNP rs2289570, ClinGen allele CA5830478.

ClinVar aggregate classification (germline): Benign. Review status: criteria provided, multiple submitters, no conflicts (2 of 4 stars). 9 submissions from 7 submitters: Benign (9). Last evaluated 2026-02-04.

Conditions:
Stormorken syndrome (STRMK). Also called: THROMBOCYTOPATHY, ASPLENIA, AND MIOSIS. Identifiers: Orphanet 3204, MedGen C1861451, MONDO:0008497, OMIM 185070.
Myopathy, tubular aggregate, 1 (TAM1). Identifiers: MedGen C4011726, MONDO:0024531, OMIM 160565.
Combined immunodeficiency due to STIM1 deficiency. Also called: STIM1 DEFICIENCY; IMMUNODEFICIENCY 10. Identifiers: Orphanet 169090, Orphanet 317430, MedGen C2748557, MONDO:0013008, OMIM 612783.
Myopathy with tubular aggregates (TAM). Also called: Tubular Aggregate Myopathy. Identifiers: Orphanet 2593, MedGen C0410207, MONDO:0008051.

Allele frequency attached by ClinVar (database versions not stated): ESP Exome Variant Server 0.79055; TOPMed 0.79550; 1000 Genomes Project 30x 0.80512; 1000 Genomes Project 0.81210; ExAC 0.88996; gnomAD exomes 0.89391.
gnomAD v4.1: 1,442,995 of 1,605,604 alleles (90%); highest among the groups gnomAD compares: East Asian, 96%; 653,889 homozygotes.

Submissions (9):

Labcorp Genetics (formerly Invitae), Labcorp
Classification: Benign for Myopathy with tubular aggregates; Combined immunodeficiency due to STIM1 deficiency; Stormorken syndrome. Last evaluated: 2026-02-04. Review status: criteria provided, single submitter. Criteria: Invitae Variant Classification Sherloc (09022015). Collection method: clinical testing. Allele origin: germline.

Blueprint Genetics
Classification: Benign. Last evaluated: 2024-11-27. Review status: criteria provided, single submitter. Criteria: ACMG Guidelines, 2015. Collection method: clinical testing. Allele origin: germline.

Unidad de Genómica Garrahan, Hospital de Pediatría Garrahan
Classification: Benign. Last evaluated: 2024-01-24. Review status: criteria provided, single submitter. Criteria: ACMG Guidelines, 2015. Collection method: clinical testing. Allele origin: germline. Affected: no. Observed: 93 variant alleles.
Comment: This variant is classified as Benign based on local population frequency. This variant was detected in 98% of patients studied by a panel of primary immunodeficiencies. Number of patients: 93. Only high quality variants are reported.

Genome-Nilou Lab
Classification: Benign for Combined immunodeficiency due to STIM1 deficiency. Last evaluated: 2021-07-15. Review status: criteria provided, single submitter. Criteria: ACMG Guidelines, 2015. Collection method: clinical testing. Allele origin: germline. Affected: no.

Genome-Nilou Lab
Classification: Benign for Myopathy, tubular aggregate, 1. Last evaluated: 2021-07-15. Review status: criteria provided, single submitter. Criteria: ACMG Guidelines, 2015. Collection method: clinical testing. Allele origin: germline. Affected: no.

Genome-Nilou Lab
Classification: Benign for Stormorken syndrome. Last evaluated: 2021-07-15. Review status: criteria provided, single submitter. Criteria: ACMG Guidelines, 2015. Collection method: clinical testing. Allele origin: germline. Affected: no.

GeneDx
Classification: Benign. Last evaluated: 2015-10-19. Review status: criteria provided, single submitter. Criteria: GeneDx Variant Classification (06012015). Collection method: clinical testing. Allele origin: germline. Affected: yes.
Comment: This variant is considered likely benign or benign based on one or more of the following criteria: it is a conservative change, it occurs at a poorly conserved position in the protein, it is predicted to be benign by multiple in silico algorithms, and/or has population frequency not consistent with disease.

Breakthrough Genomics
Classification: Benign. Review status: criteria provided, single submitter. Criteria: ACMG Guidelines, 2015. Collection method: not provided. Allele origin: germline. Inheritance: Autosomal recessive inheritance. Affected: yes.

PreventionGenetics, part of Exact Sciences
Classification: Benign. Review status: criteria provided, single submitter. Criteria: ACMG Guidelines, 2015. Collection method: clinical testing. Allele origin: germline.